The following is an entry in ClinVar:

NM_014141.6(CNTNAP2):c.1837T>C (p.Trp613Arg)

Gene: CNTNAP2 (contactin associated protein 2; plus strand). Cytogenetic location: 7q35.
Variant type: single nucleotide variant.
Coding change: c.1837T>C on transcript NM_014141.6 (MANE Select); coding-DNA position 1837, T replaced by C.
Protein change: p.Trp613Arg; replaces tryptophan 613 with arginine.
Molecular consequence: missense variant.
Genome position (GRCh38, 1-based): chr7:147,562,197, T>C. VCF-style: chr7-147562197-T-C. GRCh37 (hg19) VCF-style: chr7-147259289-T-C.
Other names: short protein forms W613R.
Identifiers: ClinVar variation 589636 (VCV000589636.6), dbSNP rs1562998233, ClinGen allele CA369926636.
Genomic context (GRCh38, chr7:147,562,197, plus strand): 5'-GCTATCTACGAGCCTTCCTGTGAAGCCTACAAACACCTAGGACAGACATCAAATTATTAC[T>C]GGATAGATCCTGATGGCAGCGGACCTCTGGGGCCTCTGAAAGTTTACTGCAACATGACAG-3'
Protein context (NP_054860.1, residues 603-623): KHLGQTSNYY[Trp613Arg]IDPDGSGPLG

ClinVar aggregate classification (germline): Uncertain significance. Review status: criteria provided, multiple submitters, no conflicts (2 of 4 stars). 2 submissions from 2 submitters: Uncertain significance (2). Last evaluated 2025-09-29.

Conditions:
Inborn genetic diseases. Identifiers: MedGen C0950123, MeSH D030342.

Allele frequency attached by ClinVar (database versions not stated): gnomAD exomes below 0.00001; TOPMed below 0.00001; gnomAD 0.00001.
gnomAD v4.1: 2 of 1,613,952 alleles (0.00012%); highest among the groups gnomAD compares: Non-Finnish European, 0.00017%; no homozygotes.

Submissions (2):

Women's Health and Genetics/Laboratory Corporation of America, LabCorp
Classification: Uncertain significance. Last evaluated: 2025-09-29. Review status: criteria provided, single submitter. Criteria: LabCorp Variant Classification Summary - May 2015. Collection method: clinical testing. Allele origin: germline.
Comment: Variant summary: CNTNAP2 c.1837T>C (p.Trp613Arg) results in a non-conservative amino acid change in the encoded protein sequence. Algorithms developed to predict the effect of missense changes on protein structure and function are either unavailable or do not agree on the potential impact of this missense change. The variant was absent in 251318 control chromosomes. The available data on variant occurrences in the general population are insufficient to allow any conclusion about variant significance. c.1837T>C has been observed in one individual affected with Adolescent idiopathic scoliosis (Jiang_2020). The report does not provide unequivocal conclusions about association of the variant with Pitt-Hopkins-Like Syndrome 1. To our knowledge, no experimental evidence demonstrating an impact on protein function has been reported. The following publication have been ascertained in the context of this evaluation (PMID: 32381728). ClinVar contains an entry for this variant (Variation ID: 589636). Based on the evidence outlined above, the variant was classified as uncertain significance.

Ambry Genetics
Classification: Uncertain significance for Inborn genetic diseases. Last evaluated: 2017-04-28. Review status: criteria provided, single submitter. Criteria: Ambry Variant Classification Scheme 2023. Collection method: clinical testing. Allele origin: germline.
Comment: The p.W613R variant (also known as c.1837T>C), located in coding exon 12 of the CNTNAP2 gene, results from a T to C substitution at nucleotide position 1837. The tryptophan at codon 613 is replaced by arginine, an amino acid with dissimilar properties. This amino acid position is well conserved in available vertebrate species. In addition, the in silico prediction for this alteration is inconclusive. Since supporting evidence is limited at this time, the clinical significance of this alteration remains unclear.

Literature cited by the submitters: PubMed 32381728 (cited by Women's Health and Genetics/Laboratory Corporation of America, LabCorp).